The following is an entry in ClinVar:

ClinVar aggregate classification (germline): Uncertain significance (1 of 4 stars; one submission).

Conditions:
Pulmonary fibrosis and/or bone marrow failure, Telomere-related, 3. Also called: PULMONARY FIBROSIS AND/OR BONE MARROW FAILURE SYNDROME, TELOMERE-RELATED, 3. Identifiers: Orphanet 2032, MedGen C4225346, MONDO:0014613, OMIM 616373.
Dyskeratosis congenita, autosomal recessive 5 (DKCB5). Identifiers: MedGen C3554656, MONDO:0014076, OMIM 615190.

Allele frequency attached by ClinVar (database versions not stated): gnomAD exomes below 0.00001 and 0.00001.
gnomAD v4.1: 3 of 1,549,146 alleles (0.00019%); highest among the groups gnomAD compares: Admixed American, 0.0019%; no homozygotes.

Submission:

Labcorp Genetics (formerly Invitae), Labcorp
Classification: Uncertain significance for Dyskeratosis congenita, autosomal recessive 5; Pulmonary fibrosis and/or bone marrow failure, Telomere-related, 3. Last evaluated: 2022-07-16. Review status: criteria provided, single submitter. Criteria: Invitae Variant Classification Sherloc (09022015). Collection method: clinical testing. Allele origin: germline.
Comment: This sequence change replaces serine, which is neutral and polar, with asparagine, which is neutral and polar, at codon 1179 of the RTEL1 protein (p.Ser1179Asn). This variant is present in population databases (no rsID available, gnomAD 0.007%). This variant has not been reported in the literature in individuals affected with RTEL1-related conditions. ClinVar contains an entry for this variant (Variation ID: 1398408). Algorithms developed to predict the effect of missense changes on protein structure and function are either unavailable or do not agree on the potential impact of this missense change (SIFT: "Tolerated"; PolyPhen-2: "Probably Damaging"; Align-GVGD: "Class C0"). In summary, the available evidence is currently insufficient to determine the role of this variant in disease. Therefore, it has been classified as a Variant of Uncertain Significance.

NM_001283009.2(RTEL1):c.3536G>A (p.Ser1179Asn)

Genes: RTEL1 (regulator of telomere elongation helicase 1; plus strand), RTEL1-TNFRSF6B (RTEL1-TNFRSF6B readthrough (NMD candidate); plus strand). Cytogenetic location: 20q13.33.
Variant type: single nucleotide variant.
Coding change: c.3536G>A on transcript NM_001283009.2 (MANE Select); coding-DNA position 3536, G replaced by A.
Protein change: p.Ser1179Asn; replaces serine 1179 with asparagine.
Molecular consequence: missense variant. On other transcripts: non-coding transcript variant (1).
Genome position (GRCh38, 1-based): chr20:63,695,364, G>A. VCF-style: chr20-63695364-G-A. GRCh37 (hg19) VCF-style: chr20-62326717-G-A.
Other names: c.2867G>A, p.Ser956Asn (NM_001283010.1); c.3536G>A, p.Ser1179Asn (NM_016434.4); c.3608G>A, p.Ser1203Asn (NM_032957.5); short protein forms S1203N, S1179N, S956N.
Identifiers: ClinVar variation 1398408 (VCV001398408.5), dbSNP rs1350306450, ClinGen allele CA409685628.